The following is an entry in ClinVar:

NM_144666.3(DNHD1):c.9895C>A (p.Leu3299Met)

Gene: DNHD1 (dynein heavy chain domain 1; plus strand). Cytogenetic location: 11p15.4.
Variant type: single nucleotide variant.
Coding change: c.9895C>A on transcript NM_144666.3 (MANE Select); coding-DNA position 9895, C replaced by A.
Protein change: p.Leu3299Met; replaces leucine 3299 with methionine.
Molecular consequence: missense variant.
Genome position (GRCh38, 1-based): chr11:6,563,735, C>A. VCF-style: chr11-6563735-C-A. GRCh37 (hg19) VCF-style: chr11-6584965-C-A.
Other names: short protein forms L3299M.
Identifiers: ClinVar variation 733608 (VCV000733608.7), dbSNP rs74053420, ClinGen allele CA5856454.
Genomic context (GRCh38, chr11:6,563,735, plus strand): 5'-TAACATACATCCTTCCAGGAGCTGGTGTTCTTCCCCAAGGAGAAGATAACAGACTCAGAG[C>A]TGATAAAGTTACATCTAATTCTGAAGGCTCCAGGTATGGACGATGCAGCCCTGCGGGCAG-3'
Protein context (NP_653267.2, residues 3289-3309): FPKEKITDSE[Leu3299Met]IKLHLILKAP

ClinVar aggregate classification (germline): Benign. Review status: criteria provided, multiple submitters, no conflicts (2 of 4 stars). 3 submissions from 3 submitters: Benign (2). 1 of the submissions does not count toward it. Last evaluated 2019-12-31.

Conditions:
DNHD1-related disorder. Also called: DNHD1-related condition.

Allele frequency attached by ClinVar (database versions not stated): gnomAD exomes 0.00035 and 0.00081; ExAC 0.00149; gnomAD 0.00385; 1000 Genomes Project 30x 0.00422; 1000 Genomes Project 0.00439; TOPMed 0.00445; ESP Exome Variant Server 0.00526.
gnomAD v4.1: 1,089 of 1,549,578 alleles (0.07%); highest among the groups gnomAD compares: African/African-American, 1.3%; 9 homozygotes.

Submissions (3):

Labcorp Genetics (formerly Invitae), Labcorp
Classification: Benign. Last evaluated: 2019-12-31. Review status: criteria provided, single submitter. Criteria: Invitae Variant Classification Sherloc (09022015). Collection method: clinical testing. Allele origin: germline.

Breakthrough Genomics
Classification: Benign. Review status: criteria provided, single submitter. Criteria: ACMG Guidelines, 2015. Collection method: not provided. Allele origin: germline. Inheritance: Autosomal recessive inheritance. Affected: yes.

PreventionGenetics, part of Exact Sciences
Classification: Benign for DNHD1-related condition. Last evaluated: 2019-06-26. Review status: no assertion criteria provided. Collection method: clinical testing. Allele origin: germline. Not counted in ClinVar's aggregate classification.
Comment: This variant is classified as benign based on ACMG/AMP sequence variant interpretation guidelines (Richards et al. 2015 PMID: 25741868, with internal and published modifications).